The following is an entry in ClinVar:

ClinVar aggregate classification (germline): Likely pathogenic. Review status: reviewed by expert panel (3 of 4 stars). 2 submissions from 2 submitters: Likely pathogenic (1). 1 of the submissions does not count toward it. Last evaluated 2025-09-07.

Conditions:
Retinitis pigmentosa 3. Also called: CHOROIDORETINAL DEGENERATION WITH RETINAL REFLEX IN HETEROZYGOUS WOMEN. Identifiers: Orphanet 791, MedGen C1845667, MONDO:0010227, OMIM 300029.
RPGR-related retinopathy. Also called: RPGR retinopathy. Identifiers: MedGen CN305589, MONDO:0100437.

Submissions (2):

ClinGen X-linked Inherited Retinal Disease Variant Curation Expert Panel, ClinGen
Classification: Likely pathogenic for RPGR-related retinopathy. Last evaluated: 2025-09-07. Review status: reviewed by expert panel. Criteria: ClinGen X LinkedIRD ACMG Specifications RPGR V1.0.0. Collection method: curation. Allele origin: germline. Inheritance: X-linked inheritance.
Comment: NM_001034853.2(RPGR):c.2457_2460del (p.Glu820ArgfsTer?) is a frameshift variant introducing a premature stop codon within exon 15 of 15, which is predicted to disrupt a critical C-terminal region required for proper glutamylation of RPGR (PVS1, PMID: 36445968). This variant is absent from gnomAD v4.1.0 (PM2_Supporting). This variant has been reported in at least 1 proband meeting one of the PS4 requirements of some functional vision impairment in affected males by age 30 years, and/or decreased or absent electroretinogram responses (PMID: 32679846), however, at least 2 apparently unrelated probands are required to meet PS4_Supporting. The variant has been reported in a family with at least 4 affected individuals, however, only the proband has been genotyped so segregation of the variant cannot be evaluated through the PP1 code (PMID: 32679846). In summary, this variant is classified as likely pathogenic for RPGR-related retinopathy based on the ClinGen X-linked Inherited Retinal Disease Expert Panel Specifications to the ACMG/AMP Variant Interpretation Guidelines for RPGR Version 1.0.0; PVS1 and PM2_Supporting.

Institute of Medical Molecular Genetics, University of Zurich
Classification: Pathogenic for Retinitis pigmentosa 3. Last evaluated: 2020-12-21. Review status: criteria provided, single submitter. Criteria: Maggi J et al. (Genes (Basel) 2020). Collection method: research. Allele origin: germline. Affected: yes. Not counted in ClinVar's aggregate classification.

NM_001034853.2(RPGR):c.2457_2460del (p.Glu820fs)

Gene: RPGR (retinitis pigmentosa GTPase regulator; minus strand). Cytogenetic location: Xp11.4.
Variant type: Deletion.
Coding change: c.2457_2460del on transcript NM_001034853.2 (MANE Select); coding-DNA positions 2457 to 2460, 4 bases deleted (AGAG; older notation c.2457_2460delAGAG).
Protein change: p.Glu820fs; shifts the reading frame from glutamic acid 820.
Molecular consequence: frameshift variant. On other transcripts: intron variant (8).
Genome position (GRCh38, 1-based): chrX:38,286,539-38,286,542, CTCT deleted on the plus strand (AGAG on the coding strand, the reverse complement: RPGR is on the minus strand). VCF-style (leftmost placement, unchanged base first): chrX-38286538-CCTCT-C. GRCh37 (hg19) VCF-style: chrX-38145791-CCTCT-C.
Other names: NM_001034853.2(RPGR):c.2457_2460del; p.Glu820fs; c.1569+4417_1569+4420del (NM_001367249.1, NM_001367250.1); c.1902+552_1902+555del (NM_001367245.1); c.1386+4417_1386+4420del (NM_001367251.1); c.1719+552_1719+555del (NM_001367246.1); c.1572+4417_1572+4420del (NM_001367247.1); c.1905+552_1905+555del (NM_000328.3); and 1 more; short protein forms E820fs.
Identifiers: ClinVar variation 989392 (VCV000989392.2), dbSNP rs2067180395, ClinGen allele CA1139667424.